The following is an entry in ClinVar:

NM_130837.3(OPA1):c.2808G>C (p.Trp936Cys)

Gene: OPA1 (OPA1 mitochondrial dynamin like GTPase; plus strand). Cytogenetic location: 3q29.
Variant type: single nucleotide variant.
Coding change: c.2808G>C on transcript NM_130837.3 (MANE Select); coding-DNA position 2808, G replaced by C.
Protein change: p.Trp936Cys; replaces tryptophan 936 with cysteine.
Molecular consequence: missense variant.
Genome position (GRCh38, 1-based): chr3:193,666,325, G>C. VCF-style: chr3-193666325-G-C. GRCh37 (hg19) VCF-style: chr3-193384114-G-C.
Other names: c.2589G>C, p.Trp863Cys (NM_130832.3); c.2646G>C, p.Trp882Cys (NM_130833.3); c.2697G>C, p.Trp899Cys (NM_130834.3); c.2700G>C, p.Trp900Cys (NM_130835.3); c.2274G>C, p.Trp758Cys (NM_001354663.2); c.2271G>C, p.Trp757Cys (NM_001354664.2); c.2643G>C, p.Trp881Cys (NM_015560.3); c.2535G>C, p.Trp845Cys (NM_130831.3); and 1 more; short protein forms W845C, W900C, W936C, W757C, W882C, W758C, W863C, W881C.
Identifiers: ClinVar variation 2706605 (VCV002706605.3), dbSNP rs2475189773, ClinGen allele CA355796343.

ClinVar aggregate classification (germline): Uncertain significance (1 of 4 stars; one submission).

Submission:

Labcorp Genetics (formerly Invitae), Labcorp
Classification: Uncertain significance. Last evaluated: 2024-01-07. Review status: criteria provided, single submitter. Criteria: Invitae Variant Classification Sherloc (09022015). Collection method: clinical testing. Allele origin: germline.
Comment: This sequence change replaces tryptophan, which is neutral and slightly polar, with cysteine, which is neutral and slightly polar, at codon 881 of the OPA1 protein (p.Trp881Cys). This variant is not present in population databases (gnomAD no frequency). This variant has not been reported in the literature in individuals affected with OPA1-related conditions. Advanced modeling of protein sequence and biophysical properties (such as structural, functional, and spatial information, amino acid conservation, physicochemical variation, residue mobility, and thermodynamic stability) performed at Invitae indicates that this missense variant is expected to disrupt OPA1 protein function with a positive predictive value of 80%. Algorithms developed to predict the effect of sequence changes on RNA splicing suggest that this variant may create or strengthen a splice site. In summary, the available evidence is currently insufficient to determine the role of this variant in disease. Therefore, it has been classified as a Variant of Uncertain Significance.